The following is an entry in ClinVar:

ClinVar aggregate classification (germline): Uncertain significance (1 of 4 stars; one submission).

Conditions:
Hereditary sensory and autonomic neuropathy type 6. Also called: HSAN VI; Neuropathy, hereditary sensory and autonomic, type VI. Identifiers: Orphanet 314381, MedGen C3539003, MONDO:0013839, OMIM 614653.
Epidermolysis bullosa simplex 3, localized or generalized intermediate, with BP230 deficiency (EBS3). Also called: Epidermolysis bullosa simplex, autosomal recessive 2; Epidermolysis bullosa simplex due to BP230 deficiency. Identifiers: Orphanet 412181, MedGen C3809470, MONDO:0014180, OMIM 615425.

Submission:

Labcorp Genetics (formerly Invitae), Labcorp
Classification: Uncertain significance for Epidermolysis bullosa simplex 3, localized or generalized intermediate, with BP230 deficiency; Hereditary sensory and autonomic neuropathy type 6. Last evaluated: 2022-10-17. Review status: criteria provided, single submitter. Criteria: Invitae Variant Classification Sherloc (09022015). Collection method: clinical testing. Allele origin: germline.
Comment: Algorithms developed to predict the effect of missense changes on protein structure and function are either unavailable or do not agree on the potential impact of this missense change (SIFT: "Deleterious"; PolyPhen-2: "Possibly Damaging"; Align-GVGD: "Class C15"). This sequence change replaces threonine, which is neutral and polar, with isoleucine, which is neutral and non-polar, at codon 193 of the DST protein (p.Thr193Ile). This variant is not present in population databases (gnomAD no frequency). This variant has not been reported in the literature in individuals affected with DST-related conditions. In summary, the available evidence is currently insufficient to determine the role of this variant in disease. Therefore, it has been classified as a Variant of Uncertain Significance.

NM_001374736.1(DST):c.2189C>T (p.Thr730Ile)

Gene: DST (dystonin; minus strand). Cytogenetic location: 6p12.1.
Variant type: single nucleotide variant.
Coding change: c.2189C>T on transcript NM_001374736.1 (MANE Select); coding-DNA position 2189, C replaced by T.
Protein change: p.Thr730Ile; replaces threonine 730 with isoleucine.
Molecular consequence: missense variant.
Genome position (GRCh38, 1-based): chr6:56,640,444, G>A on the plus strand (C>T on the coding strand, the complement: DST is on the minus strand). VCF-style: chr6-56640444-G-A. GRCh37 (hg19) VCF-style: chr6-56505242-G-A.
Other names: c.2090C>T, p.Thr697Ile (NM_001144769.5); c.1676C>T, p.Thr559Ile (NM_001144770.2); c.2189C>T, p.Thr730Ile (NM_001374722.1); c.1556C>T, p.Thr519Ile (NM_001374729.1, NM_001374730.1, NM_001386100.1 and 1 more transcripts); c.2216C>T, p.Thr739Ile (NM_001374734.1); c.578C>T, p.Thr193Ile (NM_001723.7, NM_015548.5); short protein forms T193I, T697I, T739I, T730I, T519I, T559I.
Identifiers: ClinVar variation 1901913 (VCV001901913.5), dbSNP rs2537169525, ClinGen allele CA364578851.
Genomic context (GRCh38, chr6:56,640,444, plus strand): 5'-AGGCCAGAAGTCATACTAGAAGAGGTTAGGGAAGGTGTTAAACTCTGGGTCAGCCCTGAG[G>A]TCAGACTAGGGTGTAAGGTCTGTGCAAATCCTGAGTTTAAACTTTGAGTGATTCCTGATA-3'
Protein context (NP_001361665.1, residues 720-740): GFAQTLHPSL[Thr730Ile]SGLTQSLTPS